The following is an entry in ClinVar:

NM_000282.4(PCCA):c.1040T>C (p.Phe347Ser)

Gene: PCCA (propionyl-CoA carboxylase subunit alpha; plus strand). Cytogenetic location: 13q32.3.
Variant type: single nucleotide variant.
Coding change: c.1040T>C on transcript NM_000282.4 (MANE Select); coding-DNA position 1040, T replaced by C.
Protein change: p.Phe347Ser; replaces phenylalanine 347 with serine.
Molecular consequence: missense variant. On other transcripts: non-coding transcript variant (5).
Genome position (GRCh38, 1-based): chr13:100,273,321, T>C. VCF-style: chr13-100273321-T-C. GRCh37 (hg19) VCF-style: chr13-100925575-T-C.
Other names: c.962T>C, p.Phe321Ser (NM_001127692.3, NM_001352607.2, NM_001352608.2); c.1040T>C, p.Phe347Ser (NM_001178004.2, NM_001352605.2, NM_001352606.2 and 1 more transcripts); c.95T>C, p.Phe32Ser (NM_001352610.2, NM_001352611.2, NM_001352612.2); short protein forms F321S, F32S, F347S.
Identifiers: ClinVar variation 1465191 (VCV001465191.8), dbSNP rs2152589132, ClinGen allele CA388694937.

ClinVar aggregate classification (germline): Uncertain significance (1 of 4 stars; one submission).

Conditions:
Propionic acidemia (PROP). Also called: GLYCINEMIA, KETOTIC; HYPERGLYCINEMIA WITH KETOACIDOSIS AND LEUKOPENIA; KETOTIC HYPERGLYCINEMIA. Identifiers: Orphanet 35, MedGen C0268579, MONDO:0011628, OMIM 606054, HP:0003571.

Submission:

Labcorp Genetics (formerly Invitae), Labcorp
Classification: Uncertain significance for Propionic acidemia. Last evaluated: 2025-08-14. Review status: criteria provided, single submitter. Criteria: Invitae Variant Classification Sherloc (09022015). Collection method: clinical testing. Allele origin: germline.
Comment: This sequence change replaces phenylalanine, which is neutral and non-polar, with serine, which is neutral and polar, at codon 347 of the PCCA protein (p.Phe347Ser). This variant is not present in population databases (gnomAD no frequency). This variant has not been reported in the literature in individuals affected with PCCA-related conditions. ClinVar contains an entry for this variant (Variation ID: 1465191). Invitae Evidence Modeling of protein sequence and biophysical properties (such as structural, functional, and spatial information, amino acid conservation, physicochemical variation, residue mobility, and thermodynamic stability) indicates that this missense variant is expected to disrupt PCCA protein function with a positive predictive value of 80%. In summary, the available evidence is currently insufficient to determine the role of this variant in disease. Therefore, it has been classified as a Variant of Uncertain Significance.